The following is an entry in ClinVar:

NM_000321.3(RB1):c.2489G>A (p.Arg830Lys)

Gene: RB1 (RB transcriptional corepressor 1; plus strand). Cytogenetic location: 13q14.2.
Variant type: single nucleotide variant.
Coding change: c.2489G>A on transcript NM_000321.3 (MANE Select); coding-DNA position 2489, G replaced by A.
Protein change: p.Arg830Lys; replaces arginine 830 with lysine.
Molecular consequence: missense variant.
Genome position (GRCh38, 1-based): chr13:48,465,368, G>A. VCF-style: chr13-48465368-G-A. GRCh37 (hg19) VCF-style: chr13-49039504-G-A.
Other names: c.2489G>A, p.Arg830Lys (NM_001407165.1); short protein forms R830K.
Identifiers: ClinVar variation 1792030 (VCV001792030.6), dbSNP rs2138346300, ClinGen allele CA388168090.

ClinVar aggregate classification (germline): Conflicting classifications of pathogenicity. Review status: criteria provided, conflicting classifications (1 of 4 stars). 3 submissions from 3 submitters: Likely pathogenic (2); Uncertain significance (1). Last evaluated 2025-12-10.

Conditions:
Hereditary cancer-predisposing syndrome. Also called: Hereditary Cancer Syndrome; Hereditary neoplastic syndrome; Tumor predisposition; Neoplastic Syndromes, Hereditary. Identifiers: Orphanet 140162, MedGen C0027672, MeSH D009386, MONDO:0015356.
Retinoblastoma (RB1). Also called: RETINOBLASTOMA, SOMATIC. Identifiers: Orphanet 790, MedGen C0035335, MeSH D012175, MONDO:0008380, OMIM 180200, HP:0009919. Disease mechanism: loss of function. Inheritance: Both sporadic and heritable forms are tested..

Submissions (3):

Labcorp Genetics (formerly Invitae), Labcorp
Classification: Uncertain significance for Retinoblastoma. Last evaluated: 2025-12-10. Review status: criteria provided, single submitter. Criteria: Invitae Variant Classification Sherloc (09022015). Collection method: clinical testing. Allele origin: germline.
Comment: This sequence change replaces arginine, which is basic and polar, with lysine, which is basic and polar, at codon 830 of the RB1 protein (p.Arg830Lys). This variant also falls at the last nucleotide of exon 23, which is part of the consensus splice site for this exon. This variant is not present in population databases (gnomAD no frequency). This missense change has been observed in individual(s) with osteosarcoma (PMID: 32191290). ClinVar contains an entry for this variant (Variation ID: 1792030). An algorithm developed to predict the effect of missense changes on protein structure and function (PolyPhen-2) suggests that this variant is likely to be disruptive. Variants that disrupt the consensus splice site are a relatively common cause of aberrant splicing (PMID: 17576681, 9536098). Studies have shown that this missense change is associated with inconclusive levels of altered splicing (internal data). In summary, the available evidence is currently insufficient to determine the role of this variant in disease. Therefore, it has been classified as a Variant of Uncertain Significance.

Genetic Diagnostic Laboratory, University of Pennsylvania School of Medicine
Classification: Likely pathogenic for Retinoblastoma. Last evaluated: 2024-05-20. Review status: criteria provided, single submitter. Criteria: ACMG Guidelines, 2015. Collection method: clinical testing. Allele origin: germline. Affected: yes. Observed: 2 variant alleles.
Comment: Case and Pedigree Information: BILATERAL CASES:0, UNILATERAL CASES:2, TOTAL CASES:2, PEDIGREES:2. ACMG Codes Applied:PM1, PM2, PP3, PP5

Ambry Genetics
Classification: Likely pathogenic for Hereditary cancer-predisposing syndrome. Last evaluated: 2018-09-21. Review status: criteria provided, single submitter. Criteria: Ambry Variant Classification Scheme 2023. Collection method: clinical testing. Allele origin: germline.
Comment: The c.2489G>A variant (also known as p.R830K), located in coding exon 23 of the RB1 gene, results from a G to A substitution at nucleotide position 2489. The amino acid change results in arginine to lysine at codon 830, an amino acid with highly similar properties. However, this change occurs in the last base pair of coding exon 23, which makes it likely to have some effect on normal mRNA splicing. This alteration has been observed in at least one individual who has a personal or family history that is consistent with RB1-associated disease (Ambry internal data). This nucleotide position is highly conserved in available vertebrate species. Using the BDGP and ESEfinder splice site prediction tools, this alteration is predicted to weaken the efficiency of the native splice donor site; however, direct evidence is unavailable. Based on the majority of available evidence to date, this variant is likely to be pathogenic.

Literature cited by the submitters: PubMed 32191290 (cited by Labcorp Genetics (formerly Invitae), Labcorp); PubMed 17576681 (cited by Labcorp Genetics (formerly Invitae), Labcorp); PubMed 9536098 (cited by Labcorp Genetics (formerly Invitae), Labcorp).